The following is an entry in ClinVar:

NM_001843.4(CNTN1):c.1470_1471del (p.Gly491fs)

Gene: CNTN1 (contactin 1; plus strand). Cytogenetic location: 12q12.
Variant type: Microsatellite.
Coding change: c.1470_1471del on transcript NM_001843.4 (MANE Select); coding-DNA positions 1470 to 1471, 2 bases deleted (AG; older notation c.1470_1471delAG).
Protein change: p.Gly491fs; shifts the reading frame from glycine 491.
Molecular consequence: frameshift variant.
Genome position (GRCh38, 1-based): chr12:40,943,687-40,943,688, AG deleted; deleting any 2 consecutive bases within chr12:40,943,685-40,943,688 gives the same sequence; the c. name uses the placement nearest the transcript's 3' end. VCF-style (leftmost placement, unchanged base first): chr12-40943684-CAG-C. GRCh37 (hg19) VCF-style: chr12-41337486-CAG-C.
Other names: c.1470_1471del, p.Gly491fs (NM_001256063.2, NM_001256064.2); c.1437_1438del, p.Gly480fs (NM_175038.2); short protein forms G491fs, G480fs.
Identifiers: ClinVar variation 2082836 (VCV002082836.4), dbSNP rs2499488629, ClinGen allele CA2580615161.
Genomic context (GRCh38, chr12:40,943,684, plus strand): 5'-GGAAATCAACAACATTACAAGGAATGATGGAGGTATCTATACATGCTTTGCAGAAAATAA[CAG>C]AGGGAAAGCTAATAGCACTGGAACCCTTGTTATCACAGGTAAGTTAATGTTTGAGGGTGC-3'

ClinVar aggregate classification (germline): Pathogenic/Likely pathogenic. Review status: criteria provided, multiple submitters, no conflicts (2 of 4 stars). 2 submissions from 2 submitters: Pathogenic (1); Likely pathogenic (1). Last evaluated 2025-09-23.

Conditions:
Compton-North congenital myopathy (CMYO12). Identifiers: Orphanet 210163, MedGen C2675527, MONDO:0012929, OMIM 612540.

Submissions (2):

Variantyx, Inc.
Classification: Likely pathogenic for Compton-North congenital myopathy. Last evaluated: 2025-09-23. Review status: criteria provided, single submitter. Criteria: Variantyx Assertion Criteria 2022. Collection method: clinical testing. Allele origin: germline. Inheritance: Autosomal recessive inheritance. Affected: yes.
Comment: This is a frameshift variant in the CNTN1 gene (OMIM: 600016). Pathogenic variants in this gene have been associated with autosomal recessive congenital myopathy 12. This variant introduces a premature termination codon in exon 13 out of 24 and is expected to result in loss of function, which is a known disease mechanism for CNTN1 in this disorder (PMID: 19026398, 22242131) (PVS1). This variant has a 0.0001% maximum allele frequency in non-founder control populations (PM2). Based on the current evidence, this variant is classified as likely pathogenic for autosomal recessive congenital myopathy 12.

Labcorp Genetics (formerly Invitae), Labcorp
Classification: Pathogenic for Compton-North congenital myopathy. Last evaluated: 2022-01-14. Review status: criteria provided, single submitter. Criteria: Invitae Variant Classification Sherloc (09022015). Collection method: clinical testing. Allele origin: germline.
Comment: For these reasons, this variant has been classified as Pathogenic. This variant has not been reported in the literature in individuals affected with CNTN1-related conditions. This variant is not present in population databases (gnomAD no frequency). This sequence change creates a premature translational stop signal (p.Gly491Glufs*3) in the CNTN1 gene. It is expected to result in an absent or disrupted protein product. Loss-of-function variants in CNTN1 are known to be pathogenic (PMID: 19026398, 22242131).

Literature cited by the submitters: PubMed 19026398 (cited by Variantyx, Inc. and Labcorp Genetics (formerly Invitae), Labcorp); PubMed 22242131 (cited by Variantyx, Inc. and Labcorp Genetics (formerly Invitae), Labcorp).